The following is an entry in ClinVar:

ClinVar aggregate classification (germline): Uncertain significance (1 of 4 stars; one submission).

Submission:

Labcorp Genetics (formerly Invitae), Labcorp
Classification: Uncertain significance. Last evaluated: 2023-03-20. Review status: criteria provided, single submitter. Criteria: Invitae Variant Classification Sherloc (09022015). Collection method: clinical testing. Allele origin: germline.
Comment: This variant has not been reported in the literature in individuals affected with CARMIL2-related conditions. An algorithm developed to predict the effect of missense changes on protein structure and function (PolyPhen-2) suggests that this variant is likely to be disruptive. In summary, the available evidence is currently insufficient to determine the role of this variant in disease. Therefore, it has been classified as a Variant of Uncertain Significance. The frequency data for this variant in the population databases is considered unreliable, as metrics indicate insufficient coverage at this position in the gnomAD database. This sequence change replaces arginine, which is basic and polar, with glycine, which is neutral and non-polar, at codon 1033 of the CARMIL2 protein (p.Arg1033Gly).

NM_001013838.3(CARMIL2):c.3097C>G (p.Arg1033Gly)

Gene: CARMIL2 (capping protein regulator and myosin 1 linker 2; plus strand). Cytogenetic location: 16q22.1.
Variant type: single nucleotide variant.
Coding change: c.3097C>G on transcript NM_001013838.3 (MANE Select); coding-DNA position 3097, C replaced by G.
Protein change: p.Arg1033Gly; replaces arginine 1033 with glycine.
Molecular consequence: missense variant.
Genome position (GRCh38, 1-based): chr16:67,653,231, C>G. VCF-style: chr16-67653231-C-G. GRCh37 (hg19) VCF-style: chr16-67687134-C-G.
Other names: c.2989C>G, p.Arg997Gly (NM_001317026.3); short protein forms R1033G, R997G.
Identifiers: ClinVar variation 2847796 (VCV002847796.3), dbSNP rs2052764742, ClinGen allele CA396343349.